The following is an entry in ClinVar:

ClinVar aggregate classification (germline): Uncertain significance (1 of 4 stars; one submission).

Conditions:
Familial cold autoinflammatory syndrome 2 (FCAS2). Identifiers: Orphanet 247868, MedGen C2673198, MONDO:0012724, OMIM 611762.

Submission:

Labcorp Genetics (formerly Invitae), Labcorp
Classification: Uncertain significance for Familial cold autoinflammatory syndrome 2. Last evaluated: 2025-10-24. Review status: criteria provided, single submitter. Criteria: Invitae Variant Classification Sherloc (09022015). Collection method: clinical testing. Allele origin: germline.
Comment: This variant, c.1870_1872del, results in the deletion of 1 amino acid(s) of the NLRP12 protein (p.Glu624del), but otherwise preserves the integrity of the reading frame. This variant is present in population databases (rs746405537, gnomAD 0.008%). This variant has not been reported in the literature in individuals affected with NLRP12-related conditions. ClinVar contains an entry for this variant (Variation ID: 837304). Experimental studies and prediction algorithms are not available or were not evaluated, and the functional significance of this variant is currently unknown. In summary, the available evidence is currently insufficient to determine the role of this variant in disease. Therefore, it has been classified as a Variant of Uncertain Significance.

NM_144687.4(NLRP12):c.1864GAG[2] (p.Glu624del)

Gene: NLRP12 (NLR family pyrin domain containing 12; minus strand). Cytogenetic location: 19q13.42.
Variant type: Microsatellite.
Coding change: c.1864GAG[2] on transcript NM_144687.4 (MANE Select); two copies in a row of the 3-base unit GAG starting at c.1864; the reference has three copies in a row; one copy, 3 bases deleted.
Protein change: p.Glu624del; deletes glutamic acid 624.
Molecular consequence: inframe deletion.
Genome position (GRCh38, 1-based): chr19:53,809,787-53,809,789, CTC deleted on the plus strand (GAG on the coding strand, the reverse complement: NLRP12 is on the minus strand); deleting any 3 consecutive bases within chr19:53,809,787-53,809,797 gives the same sequence; the position shown is the placement nearest the transcript's 3' end. VCF-style (leftmost placement, unchanged base first): chr19-53809786-ACTC-A. GRCh37 (hg19) VCF-style: chr19-54313040-ACTC-A.
Other names: c.1864GAG[2], p.Glu624del (NM_001277126.2, NM_001277129.1); short protein forms E624del.
Identifiers: ClinVar variation 837304 (VCV000837304.9), dbSNP rs746405537, ClinGen allele CA9639329.